The following is an entry in ClinVar:

ClinVar aggregate classification (germline): Benign (1 of 4 stars; one submission).

Allele frequency attached by ClinVar (database versions not stated): 1000 Genomes Project 30x 0.00109; gnomAD 0.00413.
gnomAD v4.1: 167 of 40,808 alleles (0.41%); highest among the groups gnomAD compares: Non-Finnish European, 0.47%; no homozygotes.

Submission:

CeGaT Center for Human Genetics Tuebingen
Classification: Benign. Last evaluated: 2022-10-01. Review status: criteria provided, single submitter. Criteria: CeGaT Center For Human Genetics Tuebingen Variant Classification Criteria Version 2. Collection method: clinical testing. Allele origin: germline. Affected: yes. Observed: 2 variant alleles.
Comment: SORL1: BS1, BS2

NM_003105.6(SORL1):c.528+3267T>C

Gene: SORL1 (sortilin related receptor 1; plus strand). Cytogenetic location: 11q24.1.
Variant type: single nucleotide variant.
Coding change: c.528+3267T>C on transcript NM_003105.6 (MANE Select); 3267 bases into the intron after coding-DNA position 528, T replaced by C.
Molecular consequence: intron variant.
Genome position (GRCh38, 1-based): chr11:121,481,510, T>C. VCF-style: chr11-121481510-T-C. GRCh37 (hg19) VCF-style: chr11-121352219-T-C.
Identifiers: ClinVar variation 2642474 (VCV002642474.24), dbSNP rs1264588324, ClinGen allele CA602410377.